The following is an entry in ClinVar:

ClinVar aggregate classification (germline): Likely benign. Review status: criteria provided, multiple submitters, no conflicts (2 of 4 stars). 4 submissions from 4 submitters: Likely benign (4). Last evaluated 2024-02-06.

Conditions:
Cardiovascular phenotype. Identifiers: MedGen CN230736.
Familial hypercholesterolemia. Also called: Familial hypercholesterolemias; Familial hypercholesterolaemia. Identifiers: MedGen C0020445, MONDO:0005439.
Hypercholesterolemia, autosomal dominant, type B (FHCL2). Also called: APOLIPOPROTEIN B-100, FAMILIAL DEFECTIVE; APOLIPOPROTEIN B-100, FAMILIAL LIGAND-DEFECTIVE; Familial Hypercholesterolemia Type B; Hyperlipoproteinemia Type IIb; Familial hypercholesterolemia 2; APOB-Related Familial Hypercholesterolemia, Autosomal Dominant. Identifiers: MedGen C1704417, MONDO:0007751, OMIM 144010.
Familial hypobetalipoproteinemia 1. Also called: APOB-Related Familial Hypobetalipoproteinemia; Hypobetalipoproteinemia, normotriglyceridemic; Acanthocytosis with hypobetalipoproteinemia. Identifiers: MedGen C4551990, MONDO:0014252, OMIM 615558.

Allele frequency attached by ClinVar (database versions not stated): gnomAD exomes below 0.00001 and 0.00002; TOPMed 0.00001.
gnomAD v4.1: 25 of 1,614,208 alleles (0.0015%); highest among the groups gnomAD compares: Middle Eastern, 0.066%; no homozygotes.

Submissions (4):

Ambry Genetics
Classification: Likely benign for Cardiovascular phenotype. Last evaluated: 2024-02-06. Review status: criteria provided, single submitter. Criteria: Ambry Variant Classification Scheme 2023. Collection method: clinical testing. Allele origin: germline.

GENinCode PLC
Classification: Likely benign for Familial hypercholesterolemia. Last evaluated: 2023-12-06. Review status: criteria provided, single submitter. Criteria: ACMG Guidelines, 2015. Collection method: clinical testing. Allele origin: germline.
Comment: This is a synonymous (silent) variant that is not predicted by SpliceAI to impact splicing. In addition, it occurs at a nucleotide that is not conserved. Therefore this variant has been classified as Likely Benign (BP4, BP7).

Labcorp Genetics (formerly Invitae), Labcorp
Classification: Likely benign for Familial hypobetalipoproteinemia 1; Hypercholesterolemia, autosomal dominant, type B. Last evaluated: 2023-10-06. Review status: criteria provided, single submitter. Criteria: Invitae Variant Classification Sherloc (09022015). Collection method: clinical testing. Allele origin: germline.

Blueprint Genetics
Classification: Likely benign. Last evaluated: 2020-06-09. Review status: criteria provided, single submitter. Criteria: ACMG Guidelines, 2015. Collection method: clinical testing. Allele origin: germline.

NM_000384.3(APOB):c.4488T>C (p.Tyr1496=)

Gene: APOB (apolipoprotein B; minus strand). Cytogenetic location: 2p24.1.
Variant type: single nucleotide variant.
Coding change: c.4488T>C on transcript NM_000384.3 (MANE Select); coding-DNA position 4488, T replaced by C.
Protein change: p.Tyr1496=; no amino-acid change (tyrosine 1496 retained).
Molecular consequence: synonymous variant.
Genome position (GRCh38, 1-based): chr2:21,012,380, A>G on the plus strand (T>C on the coding strand, the complement: APOB is on the minus strand). VCF-style: chr2-21012380-A-G. GRCh37 (hg19) VCF-style: chr2-21235252-A-G.
Identifiers: ClinVar variation 2927007 (VCV002927007.6), dbSNP rs1558565720, ClinGen allele CA425346724.
Genomic context (GRCh38, chr2:21,012,380, plus strand): 5'-TCCATTGAGCCGGCCAGTGTTAGGATCCCTCTGACAAGACAGGCCATATGTGCCTTTAGC[A>G]TAGAACGAAGAGACTCTGAACTGCCCATCAATCTTGACTTCTTTGACAAACAAATGCTGT-3'
Protein context (NP_000375.3, residues 1486-1506): IDGQFRVSSF[Tyr1496=]AKGTYGLSCQ